The following is an entry in ClinVar:

NM_001851.6(COL9A1):c.1765-21G>A

Gene: COL9A1 (collagen type IX alpha 1 chain; minus strand). Cytogenetic location: 6q13.
Variant type: single nucleotide variant.
Coding change: c.1765-21G>A on transcript NM_001851.6 (MANE Select); 21 bases into the intron before coding-DNA position 1765, G replaced by A.
Molecular consequence: intron variant.
Genome position (GRCh38, 1-based): chr6:70,252,336, C>T on the plus strand (G>A on the coding strand, the complement: COL9A1 is on the minus strand). VCF-style: chr6-70252336-C-T. GRCh37 (hg19) VCF-style: chr6-70962039-C-T.
Other names: c.1036-21G>A (NM_001377290.1, NM_078485.4); c.1066-21G>A (NM_001377289.1).
Identifiers: ClinVar variation 258351 (VCV000258351.5), dbSNP rs2274584, ClinGen allele CA3882018.

ClinVar aggregate classification (germline): Benign. Review status: criteria provided, multiple submitters, no conflicts (2 of 4 stars). 3 submissions from 3 submitters: Benign (3). Last evaluated 2021-07-30.

Conditions:
Epiphyseal dysplasia, multiple, 6. Also called: COL9A1-Related Multiple Epiphyseal Dysplasia. Identifiers: MedGen C2675767, MONDO:0013591, OMIM 614135.

Allele frequency attached by ClinVar (database versions not stated): 1000 Genomes Project 30x 0.17302; 1000 Genomes Project 0.17332; TOPMed 0.17869; ESP Exome Variant Server 0.18868.
gnomAD v4.1: 308,658 of 1,609,078 alleles (19%); highest among the groups gnomAD compares: South Asian, 22%; 30,551 homozygotes.

Submissions (3):

Genome-Nilou Lab
Classification: Benign for Epiphyseal dysplasia, multiple, 6. Last evaluated: 2021-07-30. Review status: criteria provided, single submitter. Criteria: ACMG Guidelines, 2015. Collection method: clinical testing. Allele origin: germline. Affected: no.

GeneDx
Classification: Benign. Last evaluated: 2018-06-14. Review status: criteria provided, single submitter. Criteria: GeneDx Variant Classification (06012015). Collection method: clinical testing. Allele origin: germline. Affected: yes.
Comment: This variant is considered likely benign or benign based on one or more of the following criteria: it is a conservative change, it occurs at a poorly conserved position in the protein, it is predicted to be benign by multiple in silico algorithms, and/or has population frequency not consistent with disease.

PreventionGenetics, part of Exact Sciences
Classification: Benign. Review status: criteria provided, single submitter. Criteria: ACMG Guidelines, 2015. Collection method: clinical testing. Allele origin: germline.